The following is an entry in ClinVar:

NM_016373.4(WWOX):c.1183C>G (p.Arg395Gly)

Genes: MAF (MAF bZIP transcription factor; minus strand), WWOX (WW domain containing oxidoreductase; plus strand). Cytogenetic location: 16q23.2.
Variant type: single nucleotide variant.
Coding change: c.1183C>G on transcript NM_016373.4 (MANE Select); coding-DNA position 1183, C replaced by G.
Protein change: p.Arg395Gly; replaces arginine 395 with glycine.
Molecular consequence: missense variant.
Genome position (GRCh38, 1-based): chr16:79,211,734, C>G. VCF-style: chr16-79211734-C-G. GRCh37 (hg19) VCF-style: chr16-79245631-C-G.
Other names: c.844C>G, p.Arg282Gly (NM_001291997.2); short protein forms R282G, R395G.
Identifiers: ClinVar variation 1492251 (VCV001492251.6), dbSNP rs750042007, ClinGen allele CA284131604.

ClinVar aggregate classification (germline): Uncertain significance (1 of 4 stars; one submission).

Conditions:
Autosomal recessive spinocerebellar ataxia 12. Also called: SPINOCEREBELLAR ATAXIA WITH MENTAL RETARDATION AND EPILEPSY. Identifiers: Orphanet 284282, MedGen C3280452, MONDO:0013687, OMIM 614322.
Developmental and epileptic encephalopathy, 1 (DEE1). Also called: X-linked infantile spasms; West's syndrome; Tonic spasms with clustering, arrest of psychomotor development and hypsarrhythmia on EEG; X-Linked Infantile Spasm Syndrome; OHTAHARA SYNDROME, X-LINKED; Epileptic encephalopathy, early infantile, 1. Identifiers: MedGen C3463992, MONDO:0010632, OMIM 308350. Disease mechanism: loss of function.

gnomAD v4.1: 14 of 1,614,190 alleles (0.00087%); highest among the groups gnomAD compares: South Asian, 0.0011%; no homozygotes.

Submission:

Labcorp Genetics (formerly Invitae), Labcorp
Classification: Uncertain significance for Developmental and epileptic encephalopathy, 1; Autosomal recessive spinocerebellar ataxia 12. Last evaluated: 2025-02-03. Review status: criteria provided, single submitter. Criteria: Invitae Variant Classification Sherloc (09022015). Collection method: clinical testing. Allele origin: germline.
Comment: This sequence change replaces arginine, which is basic and polar, with glycine, which is neutral and non-polar, at codon 395 of the WWOX protein (p.Arg395Gly). This variant is not present in population databases (gnomAD no frequency). This variant has not been reported in the literature in individuals affected with WWOX-related conditions. ClinVar contains an entry for this variant (Variation ID: 1492251). Invitae Evidence Modeling of protein sequence and biophysical properties (such as structural, functional, and spatial information, amino acid conservation, physicochemical variation, residue mobility, and thermodynamic stability) indicates that this missense variant is not expected to disrupt WWOX protein function with a negative predictive value of 80%. In summary, the available evidence is currently insufficient to determine the role of this variant in disease. Therefore, it has been classified as a Variant of Uncertain Significance.